The following is an entry in ClinVar:

ClinVar aggregate classification (germline): Uncertain significance (1 of 4 stars; one submission).

Submission:

GeneDx
Classification: Uncertain significance. Last evaluated: 2024-07-23. Review status: criteria provided, single submitter. Criteria: GeneDx Variant Classification Process June 2021. Collection method: clinical testing. Allele origin: germline. Affected: yes.
Comment: Not observed at significant frequency in large population cohorts (gnomAD); In silico analysis indicates that this missense variant does not alter protein structure/function; Has not been previously published as pathogenic or benign to our knowledge

NM_144498.4(OSBPL2):c.59C>T (p.Ser20Phe)

Gene: OSBPL2 (oxysterol binding protein like 2; plus strand). Cytogenetic location: 20q13.33.
Variant type: single nucleotide variant.
Coding change: c.59C>T on transcript NM_144498.4 (MANE Select); coding-DNA position 59, C replaced by T.
Protein change: p.Ser20Phe; replaces serine 20 with phenylalanine.
Molecular consequence: missense variant. On other transcripts: 5 prime UTR variant (1), intron variant (2).
Genome position (GRCh38, 1-based): chr20:62,260,002, C>T. VCF-style: chr20-62260002-C-T. GRCh37 (hg19) VCF-style: chr20-60835058-C-T.
Other names: c.-308C>T (NM_001363878.2); c.38-15C>T (NM_014835.5); c.-184-3614C>T (NM_001278649.3); short protein forms S20F.
Identifiers: ClinVar variation 3600862 (VCV003600862.1).